The following is an entry in ClinVar:

ClinVar aggregate classification (germline): Likely benign. Review status: criteria provided, multiple submitters, no conflicts (2 of 4 stars). 3 submissions from 3 submitters: Likely benign (3). Last evaluated 2026-09-01.

Conditions:
TGIF1-related disorder. Also called: TGIF1-related condition.

Allele frequency attached by ClinVar (database versions not stated): 1000 Genomes Project 0.00040; 1000 Genomes Project 30x 0.00047; gnomAD 0.00082; TOPMed 0.00088; ESP Exome Variant Server 0.00089; ExAC 0.00095; gnomAD exomes 0.00118.
gnomAD v4.1: 1,844 of 1,611,620 alleles (0.11%); highest among the groups gnomAD compares: Middle Eastern, 0.3%; 3 homozygotes.

Submissions (3):

CeGaT Center for Human Genetics Tuebingen
Classification: Likely benign. Last evaluated: 2026-09-01. Review status: criteria provided, single submitter. Criteria: CeGaT Center For Human Genetics Tuebingen Variant Classification Criteria Version 2. Collection method: clinical testing. Allele origin: germline. Affected: yes. Observed: 4 variant alleles.
Comment: TGIF1: BS1

PreventionGenetics, part of Exact Sciences
Classification: Likely benign for TGIF1-related condition. Last evaluated: 2025-10-09. Review status: criteria provided, single submitter. Criteria: ACMG Guidelines, 2015. Collection method: clinical testing. Allele origin: germline.
Comment: This variant is classified as likely benign based on ACMG/AMP sequence variant interpretation guidelines (Richards et al. 2015 PMID: 25741868, with internal and published modifications).

Blueprint Genetics
Classification: Likely benign. Last evaluated: 2024-11-05. Review status: criteria provided, single submitter. Criteria: ACMG Guidelines, 2015. Collection method: clinical testing. Allele origin: germline.

NM_003244.4(TGIF1):c.16+1788G>A

Gene: TGIF1 (TGFB induced factor homeobox 1; plus strand). Cytogenetic location: 18p11.31.
Variant type: single nucleotide variant.
Coding change: c.16+1788G>A on transcript NM_003244.4 (MANE Select); 1788 bases into the intron after coding-DNA position 16, G replaced by A.
Molecular consequence: intron variant. On other transcripts: 5 prime UTR variant (1).
Genome position (GRCh38, 1-based): chr18:3,452,293, G>A. VCF-style: chr18-3452293-G-A. GRCh37 (hg19) VCF-style: chr18-3452291-G-A.
Other names: c.-134G>A (NM_170695.5); c.-44-4061G>A (NM_174886.3, NM_001278686.3); c.59-4061G>A (NM_173207.4); c.-45+3754G>A (NM_001374396.1); c.25+2637G>A (NM_001278682.2); c.16+1788G>A (NM_173208.3, NM_001278684.2); c.-45+2223G>A (NM_173209.3); c.-45+518G>A (NM_173210.4); and 2 more.
Identifiers: ClinVar variation 2648530 (VCV002648530.26), dbSNP rs199536188, ClinGen allele CA8875813.
Genomic context (GRCh38, chr18:3,452,293, plus strand): 5'-CGGCGCGCTGCCCACAGCCGCGTGCCCTCTCCCCGGAGCTGGGGACCAAGGCTGGGCCCC[G>A]CCGGCCGCATCGGTGGGAACTTCCGCGGTCCCCATCCCAGGGCGCACAGGGTCCAGCTCC-3'